The following is an entry in ClinVar:

ClinVar aggregate classification (germline): Pathogenic (1 of 4 stars; one submission).

Submission:

Labcorp Genetics (formerly Invitae), Labcorp
Classification: Pathogenic. Last evaluated: 2025-06-12. Review status: criteria provided, single submitter. Criteria: Invitae Variant Classification Sherloc (09022015). Collection method: clinical testing. Allele origin: germline.
Comment: This sequence change creates a premature translational stop signal (p.Cys1366Alafs*40) in the ANK1 gene. It is expected to result in an absent or disrupted protein product. Loss-of-function variants in ANK1 are known to be pathogenic (PMID: 8640229). This variant is not present in population databases (gnomAD no frequency). This premature translational stop signal has been observed in individual(s) with hereditary spherocytosis (PMID: 31122244). For these reasons, this variant has been classified as Pathogenic.

Literature cited by the submitters: PubMed 8640229; PubMed 31122244.

NM_000037.4(ANK1):c.4096del (p.Cys1366fs)

Gene: ANK1 (ankyrin 1; minus strand). Cytogenetic location: 8p11.21.
Variant type: Deletion.
Coding change: c.4096del on transcript NM_000037.4 (MANE Select); coding-DNA position 4096, one base deleted (T; older notation c.4096delT).
Protein change: p.Cys1366fs; shifts the reading frame from cysteine 1366.
Molecular consequence: frameshift variant.
Genome position (GRCh38, 1-based): chr8:41,690,235, A deleted on the plus strand (T on the coding strand, the reverse complement: ANK1 is on the minus strand). VCF-style (leftmost placement, unchanged base first): chr8-41690234-CA-C. GRCh37 (hg19) VCF-style: chr8-41547752-CA-C.
Other names: c.4219del, p.Cys1407fs (NM_001142446.2); c.4096del, p.Cys1366fs (NM_020475.3, NM_020476.3, NM_020477.3); short protein forms C1407fs, C1366fs.
Identifiers: ClinVar variation 4721339 (VCV004721339.1).